The following is an entry in ClinVar:

NM_017777.4(MKS1):c.1066C>T (p.Gln356Ter)

Gene: MKS1 (MKS transition zone complex subunit 1; minus strand). Cytogenetic location: 17q22.
Variant type: single nucleotide variant.
Coding change: c.1066C>T on transcript NM_017777.4 (MANE Select); coding-DNA position 1066, C replaced by T.
Protein change: p.Gln356Ter; replaces glutamine 356 with a stop codon.
Molecular consequence: nonsense.
Genome position (GRCh38, 1-based): chr17:58,208,542, G>A on the plus strand (C>T on the coding strand, the complement: MKS1 is on the minus strand). VCF-style: chr17-58208542-G-A. GRCh37 (hg19) VCF-style: chr17-56285903-G-A.
Other names: c.457C>T, p.Gln153Ter (NM_001321268.2); c.1066C>T, p.Gln356Ter (NM_001321269.2, NM_001330397.2); short protein forms Q356*, Q153*.
Identifiers: ClinVar variation 191083 (VCV000191083.5), dbSNP rs786205508, ClinGen allele CA235981.
Genomic context (GRCh38, chr17:58,208,542, plus strand): 5'-CCTTCCAGATACCCGCTCTCATTCTCCATACCATTGCCAGGGACTTGGTGGTGCAGGTCT[G>A]TGTTACTCCTGAGAGCTGCTGGAATGCTGGGCTTGACCAGTCTGAAAGCCAAAGACCAAA-3'

ClinVar aggregate classification (germline): Pathogenic. Review status: criteria provided, single submitter (1 of 4 stars). 3 submissions from 2 submitters: Pathogenic (1). 2 of the submissions do not count toward it. Last evaluated 2021-09-09.

Conditions:
Meckel-Gruber syndrome. Also called: DYSENCEPHALIA SPLANCHNOCYSTICA; GRUBER SYNDROME; Dysencephalia splachnocystica. Identifiers: Orphanet 564, MedGen C0265215, MONDO:0018921.

Submissions (3):

Revvity Omics, Revvity
Classification: Pathogenic. Last evaluated: 2021-09-09. Review status: criteria provided, single submitter. Criteria: ACMG Guidelines, 2015. Collection method: clinical testing. Allele origin: germline.

Genomic Medicine Center of Excellence, King Faisal Specialist Hospital and Research Centre
Classification: Pathogenic for Meckel syndrome. Review status: no assertion criteria provided. Collection method: research. Allele origin: germline. Affected: yes. Observed: 1 homozygote. Not counted in ClinVar's aggregate classification.

Genomic Medicine Center of Excellence, King Faisal Specialist Hospital and Research Centre
Classification: Likely pathogenic. Review status: flagged submission. Criteria: ACMG Guidelines, 2015. Collection method: research. Allele origin: germline. Affected: yes. Not counted in ClinVar's aggregate classification.
ClinVar note: Reason: This record appears to be redundant with a more recent record from the same submitter.
ClinVar note: Notes: SCV000221460 appears to be redundant with SCV000322785.